The following is an entry in ClinVar:

NM_005477.3(HCN4):c.546C>G (p.Pro182=)

Gene: HCN4 (hyperpolarization activated cyclic nucleotide gated potassium channel 4; minus strand). Cytogenetic location: 15q24.1.
Variant type: single nucleotide variant.
Coding change: c.546C>G on transcript NM_005477.3 (MANE Select); coding-DNA position 546, C replaced by G.
Protein change: p.Pro182=; no amino-acid change (proline 182 retained).
Molecular consequence: synonymous variant.
Genome position (GRCh38, 1-based): chr15:73,367,725, G>C on the plus strand (C>G on the coding strand, the complement: HCN4 is on the minus strand). VCF-style: chr15-73367725-G-C. GRCh37 (hg19) VCF-style: chr15-73660066-G-C.
Other names: p.Pro182=.
Identifiers: ClinVar variation 240172 (VCV000240172.27), dbSNP rs571671463, ClinGen allele CA7649464.

ClinVar aggregate classification (germline): Benign. Review status: criteria provided, multiple submitters, no conflicts (2 of 4 stars). 9 submissions from 9 submitters: Benign (9). Last evaluated 2026-02-03.

Conditions:
Cardiovascular phenotype. Identifiers: MedGen CN230736.
Brugada syndrome 8 (BRGDA8). Identifiers: Orphanet 130, MedGen C2751083, MONDO:0013148, OMIM 613123.

Allele frequency attached by ClinVar (database versions not stated): ExAC 0.00441; gnomAD exomes 0.00448; TOPMed 0.00289; 1000 Genomes Project 0.00339; 1000 Genomes Project 30x 0.00375; gnomAD 0.00122 and 0.00127.
gnomAD v4.1: 1,474 of 1,593,384 alleles (0.093%); highest among the groups gnomAD compares: Admixed American, 2.2%; 16 homozygotes.

Submissions (9):

Labcorp Genetics (formerly Invitae), Labcorp
Classification: Benign for Brugada syndrome 8. Last evaluated: 2026-02-03. Review status: criteria provided, single submitter. Criteria: Invitae Variant Classification Sherloc (09022015). Collection method: clinical testing. Allele origin: germline.

Molecular Diagnostic Laboratory for Inherited Cardiovascular Disease, Montreal Heart Institute
Classification: Benign. Last evaluated: 2025-04-09. Review status: criteria provided, single submitter. Criteria: ACMG Guidelines, 2015. Collection method: clinical testing. Allele origin: germline. Affected: no.

Mayo Clinic Laboratories, Mayo Clinic
Classification: Benign. Last evaluated: 2024-11-25. Review status: criteria provided, single submitter. Criteria: ACMG Guidelines, 2015. Collection method: clinical testing. Allele origin: germline. Observed: 2 variant alleles.
Comment: BS1, BS2, BP4, BP7

Athena Diagnostics
Classification: Benign. Last evaluated: 2024-09-30. Review status: criteria provided, single submitter. Criteria: Athena Diagnostics Criteria. Collection method: clinical testing. Allele origin: unknown.

Women's Health and Genetics/Laboratory Corporation of America, LabCorp
Classification: Benign. Last evaluated: 2023-11-20. Review status: criteria provided, single submitter. Criteria: LabCorp Variant Classification Summary - May 2015. Collection method: clinical testing. Allele origin: germline.
Comment: Variant summary: HCN4 c.546C>G alters a conserved nucleotide resulting in a synonymous change. Consensus agreement among computational tools predict no significant impact on normal splicing. However, these predictions have yet to be confirmed by functional studies. The variant allele was found at a frequency of 0.0045 in 216826 control chromosomes, predominantly at a frequency of 0.028 within the Latino subpopulation in the gnomAD database, including 14 homozygotes. The observed variant frequency within Latino control individuals in the gnomAD database is approximately 2688-fold of the estimated maximal expected allele frequency for a pathogenic variant in HCN4 causing Sick Sinus Syndrome 2 phenotype (1e-05), strongly suggesting that the variant is a benign polymorphism found primarily in populations of Latino origin. To our knowledge, no occurrence of c.546C>G in individuals affected with Sick Sinus Syndrome 2 and no experimental evidence demonstrating its impact on protein function have been reported. Five submitters have cited clinical-significance assessments for this variant to ClinVar after 2014. All submitters classified the variant as benign. Based on the evidence outlined above, the variant was classified as benign.

Eurofins Ntd Llc (ga)
Classification: Benign. Last evaluated: 2015-11-24. Review status: criteria provided, single submitter. Criteria: EGL Classification Definitions 2015. Collection method: clinical testing. Allele origin: germline. Observed: 2 variant alleles, 2 heterozygotes.

Ambry Genetics
Classification: Benign for Cardiovascular phenotype. Last evaluated: 2015-11-02. Review status: criteria provided, single submitter. Criteria: Ambry Variant Classification Scheme 2023. Collection method: clinical testing. Allele origin: germline.

GeneDx
Classification: Benign. Last evaluated: 2015-10-28. Review status: criteria provided, single submitter. Criteria: GeneDx Variant Classification (06012015). Collection method: clinical testing. Allele origin: germline. Affected: yes.
Comment: This variant is considered likely benign or benign based on one or more of the following criteria: it is a conservative change, it occurs at a poorly conserved position in the protein, it is predicted to be benign by multiple in silico algorithms, and/or has population frequency not consistent with disease.

Breakthrough Genomics
Classification: Benign. Review status: criteria provided, single submitter. Criteria: ACMG Guidelines, 2015. Collection method: not provided. Allele origin: germline. Inheritance: Autosomal dominant inheritance. Affected: yes.